The following is an entry in ClinVar:

ClinVar aggregate classification (germline): Uncertain significance (1 of 4 stars; one submission).

Submission:

GeneDx
Classification: Uncertain significance. Last evaluated: 2023-03-29. Review status: criteria provided, single submitter. Criteria: GeneDx Variant Classification Process June 2021. Collection method: clinical testing. Allele origin: germline. Affected: yes.
Comment: Not observed at significant frequency in large population cohorts (gnomAD); In silico analysis supports that this missense variant does not alter protein structure/function; Has not been previously published as pathogenic or benign to our knowledge

NM_001134407.3(GRIN2A):c.203A>G (p.Asn68Ser)

Gene: GRIN2A (glutamate ionotropic receptor NMDA type subunit 2A; minus strand). Cytogenetic location: 16p13.2.
Variant type: single nucleotide variant.
Coding change: c.203A>G on transcript NM_001134407.3 (MANE Select); coding-DNA position 203, A replaced by G.
Protein change: p.Asn68Ser; replaces asparagine 68 with serine.
Molecular consequence: missense variant.
Genome position (GRCh38, 1-based): chr16:10,180,209, T>C on the plus strand (A>G on the coding strand, the complement: GRIN2A is on the minus strand). VCF-style: chr16-10180209-T-C. GRCh37 (hg19) VCF-style: chr16-10274066-T-C.
Other names: c.203A>G, p.Asn68Ser (NM_000833.5, NM_001134408.2); short protein forms N68S.
Identifiers: ClinVar variation 2581836 (VCV002581836.1), dbSNP rs2544031467, ClinGen allele CA394715521.